The following is an entry in ClinVar:

ClinVar aggregate classification (germline): Conflicting classifications of pathogenicity. Review status: criteria provided, conflicting classifications (1 of 4 stars). 6 submissions from 6 submitters: Uncertain significance (4); Benign (1). 1 of the submissions does not count toward it. Last evaluated 2026-01-27.

Conditions:
PDGFRA-related disorder. Also called: PDGFRA-related condition.
Hereditary cancer-predisposing syndrome. Also called: Neoplastic Syndromes, Hereditary; Tumor predisposition; Hereditary Cancer Syndrome; Hereditary neoplastic syndrome. Identifiers: Orphanet 140162, MedGen C0027672, MeSH D009386, MONDO:0015356.
Gastrointestinal stromal tumor. Also called: Gastrointestinal stromal tumor, somatic; Gastrointestinal stroma tumor. Identifiers: Orphanet 44890, MedGen C0238198, MeSH D046152, MONDO:0011719, OMIM 606764, HP:0100723.

Allele frequency attached by ClinVar (database versions not stated): ExAC 0.00002; gnomAD exomes 0.00004 and 0.00008; TOPMed 0.00025.
gnomAD v4.1: 86 of 1,614,058 alleles (0.0053%); highest among the groups gnomAD compares: Admixed American, 0.06%; no homozygotes.

Submissions (6):

Labcorp Genetics (formerly Invitae), Labcorp
Classification: Uncertain significance for Gastrointestinal stromal tumor. Last evaluated: 2026-01-27. Review status: criteria provided, single submitter. Criteria: Invitae Variant Classification Sherloc (09022015). Collection method: clinical testing. Allele origin: germline.
Comment: This sequence change replaces valine, which is neutral and non-polar, with methionine, which is neutral and non-polar, at codon 167 of the PDGFRA protein (p.Val167Met). This variant is present in population databases (rs587778602, gnomAD 0.04%), and has an allele count higher than expected for a pathogenic variant. This variant has not been reported in the literature in individuals affected with PDGFRA-related conditions. ClinVar contains an entry for this variant (Variation ID: 135025). Invitae Evidence Modeling of protein sequence and biophysical properties (such as structural, functional, and spatial information, amino acid conservation, physicochemical variation, residue mobility, and thermodynamic stability) indicates that this missense variant is not expected to disrupt PDGFRA protein function with a negative predictive value of 80%. In summary, the available evidence is currently insufficient to determine the role of this variant in disease. Therefore, it has been classified as a Variant of Uncertain Significance.

Dasa
Classification: Uncertain significance. Last evaluated: 2026-01-20. Review status: criteria provided, single submitter. Criteria: DASA Assertion Criteria. Collection method: clinical testing. Allele origin: germline.
Comment: NM_006206.6(PDGFRA):c.499G>A (p.Val167Met) is a missense variant that results in the substitution of valine with methionine. This variant is rare in population databases. Computational prediction algorithms are consistent with a benign effect. The currently available literature and clinical evidence are not sufficient to establish a definitive association between this variant and the reported condition. Therefore, this variant is classified as a variant of uncertain significance.

GeneDx
Classification: Uncertain significance. Last evaluated: 2025-08-12. Review status: criteria provided, single submitter. Criteria: GeneDx Variant Classification Process June 2021. Collection method: clinical testing. Allele origin: germline. Affected: yes.
Comment: In silico analysis suggests that this missense variant does not alter protein structure/function; Has not been previously published as pathogenic or benign to our knowledge

PreventionGenetics, part of Exact Sciences
Classification: Uncertain significance for PDGFRA-related condition. Last evaluated: 2025-07-29. Review status: criteria provided, single submitter. Criteria: ACMG Guidelines, 2015. Collection method: clinical testing. Allele origin: germline.
Comment: The PDGFRA c.499G>A variant is predicted to result in the amino acid substitution p.Val167Met. This variant was reported in a large study of germline variation in cancer-susceptibility genes in a healthy, ancestrally diverse cohort of individuals (Table S1, Bodian et al. 2014. PubMed ID: 24728327). This variant is reported in 0.041% of alleles in individuals of Latino descent in gnomAD and has conflicting interpretation of pathogenicity in ClinVar of uncertain significance and benign (Variation ID: 135025). Although we suspect that this variant may be benign, at this time, the clinical significance of this variant is uncertain due to the absence of conclusive functional and genetic evidence.

Ambry Genetics
Classification: Benign for Hereditary cancer-predisposing syndrome. Last evaluated: 2024-08-20. Review status: criteria provided, single submitter. Criteria: Ambry Variant Classification Scheme 2023. Collection method: clinical testing. Allele origin: germline.

ITMI
No classification provided. Condition: AllHighlyPenetrant. Last evaluated: 2013-09-19. Review status: no classification provided. Collection method: reference population. Allele origin: germline. Not counted in ClinVar's aggregate classification.
Comment: Please see associated publication for description of ethnicities

Literature cited by the submitters: PubMed 24728327 (cited by Ambry Genetics and ITMI).

NM_006206.6(PDGFRA):c.499G>A (p.Val167Met)

Gene: PDGFRA (platelet derived growth factor receptor alpha; plus strand). Cytogenetic location: 4q12.
Variant type: single nucleotide variant.
Coding change: c.499G>A on transcript NM_006206.6 (MANE Select); coding-DNA position 499, G replaced by A.
Protein change: p.Val167Met; replaces valine 167 with methionine.
Molecular consequence: missense variant.
Genome position (GRCh38, 1-based): chr4:54,263,798, G>A. VCF-style: chr4-54263798-G-A. GRCh37 (hg19) VCF-style: chr4-55129965-G-A.
Other names: c.499G>A (NM_006206.5); c.499G>A, p.Val167Met (NM_001347827.2, NM_001347829.2); c.574G>A, p.Val192Met (NM_001347828.2); c.538G>A, p.Val180Met (NM_001347830.2); short protein forms V167M, V180M, V192M.
Identifiers: ClinVar variation 135025 (VCV000135025.17), dbSNP rs587778602, ClinGen allele CA161441.
Genomic context (GRCh38, chr4:54,263,798, plus strand): 5'-ATTATACCTTGTCGCACAACTGATCCCGAGACTCCTGTAACCTTACACAACAGTGAGGGG[G>A]TGGTACCTGCCTCCTACGACAGCAGACAGGGCTTTAATGGGACCTTCACTGTAGGGCCCT-3'
Protein context (NP_006197.1, residues 157-177): TPVTLHNSEG[Val167Met]VPASYDSRQG